The following is an entry in ClinVar:

NM_001386140.1(MTTP):c.674_675insATGTAGCTTTTGAA (p.Ser225delinsArgCysSerPheTer)

Gene: MTTP (microsomal triglyceride transfer protein; plus strand). Cytogenetic location: 4q23.
Variant type: Insertion.
Coding change: c.674_675insATGTAGCTTTTGAA on transcript NM_001386140.1 (MANE Select); coding-DNA positions 674 to 675, ATGTAGCTTTTGAA inserted.
Protein change: p.Ser225delinsArgCysSerPheTer.
Molecular consequence: nonsense.
Genome position: GRCh38 VCF-style: chr4-99591706-G-GATGTAGCTTTTGAA. GRCh37 (hg19) VCF-style: chr4-100512863-G-GATGTAGCTTTTGAA.
Other names: c.674_675insATGTAGCTTTTGAA, p.Ser225delinsArgCysSerPheTer (NM_000253.4); c.425_426insATGTAGCTTTTGAA, p.Ser142delinsArgCysSerPheTer (NM_001300785.2).
Identifiers: ClinVar variation 1724151 (VCV001724151.2), dbSNP rs2476107655, ClinGen allele CA2580071890.

ClinVar aggregate classification (germline): Likely pathogenic (1 of 4 stars; one submission).

Conditions:
Abetalipoproteinaemia (ABL). Also called: Abetalipoproteinemia; Abetalipoproteinemia neuropathy; Apolipoprotein B deficiency; Congenital betalipoprotein deficiency syndrome; MTP DEFICIENCY. Identifiers: Orphanet 14, MedGen C0000744, MONDO:0008692, OMIM 200100, HP:0008181.

Submission:

Myriad Genetics, Inc.
Classification: Likely pathogenic for Abetalipoproteinaemia. Last evaluated: 2022-01-27. Review status: criteria provided, single submitter. Criteria: Myriad Women's Health Autosomal Recessive and X-Linked Classification Criteria (2021). Collection method: clinical testing. Allele origin: unknown.
Comment: NM_000253.2(MTTP):c.674_675ins14(S225Rfs*5) is expected to be pathogenic in the context of abetalipoproteinemia. This variant is predicted to lead to an abnormal or absent protein product due to the creation of a premature termination codon in MTTP, a gene where loss-of-function variants are known to be pathogenic. Please note: this variant was assessed in the context of healthy population screening.